The following is an entry in ClinVar:

NM_004958.4(MTOR):c.5576G>C (p.Ser1859Thr)

Gene: MTOR (mechanistic target of rapamycin kinase; minus strand). Cytogenetic location: 1p36.22.
Variant type: single nucleotide variant.
Coding change: c.5576G>C on transcript NM_004958.4 (MANE Select); coding-DNA position 5576, G replaced by C.
Protein change: p.Ser1859Thr; replaces serine 1859 with threonine.
Molecular consequence: missense variant.
Genome position (GRCh38, 1-based): chr1:11,130,566, C>G on the plus strand (G>C on the coding strand, the complement: MTOR is on the minus strand). VCF-style: chr1-11130566-C-G. GRCh37 (hg19) VCF-style: chr1-11190623-C-G.
Other names: c.5576G>C, p.Ser1859Thr (NM_001386500.1); c.4328G>C, p.Ser1443Thr (NM_001386501.1); short protein forms S1443T, S1859T.
Identifiers: ClinVar variation 2116326 (VCV002116326.4), dbSNP rs1462490050, ClinGen allele CA338398187.

ClinVar aggregate classification (germline): Uncertain significance (1 of 4 stars; one submission).

Submission:

Labcorp Genetics (formerly Invitae), Labcorp
Classification: Uncertain significance. Last evaluated: 2024-02-24. Review status: criteria provided, single submitter. Criteria: Invitae Variant Classification Sherloc (09022015). Collection method: clinical testing. Allele origin: germline.
Comment: This sequence change replaces serine, which is neutral and polar, with threonine, which is neutral and polar, at codon 1859 of the MTOR protein (p.Ser1859Thr). This variant is not present in population databases (gnomAD no frequency). This variant has not been reported in the literature in individuals affected with MTOR-related conditions. ClinVar contains an entry for this variant (Variation ID: 2116326). Advanced modeling of protein sequence and biophysical properties (such as structural, functional, and spatial information, amino acid conservation, physicochemical variation, residue mobility, and thermodynamic stability) performed at Invitae indicates that this missense variant is not expected to disrupt MTOR protein function with a negative predictive value of 95%. In summary, the available evidence is currently insufficient to determine the role of this variant in disease. Therefore, it has been classified as a Variant of Uncertain Significance.